The following is an entry in ClinVar:

NM_006346.4(PIBF1):c.556C>T (p.Arg186Cys)

Gene: PIBF1 (progesterone immunomodulatory binding factor 1; plus strand). Cytogenetic location: 13q21.33.
Variant type: single nucleotide variant.
Coding change: c.556C>T on transcript NM_006346.4 (MANE Select); coding-DNA position 556, C replaced by T.
Protein change: p.Arg186Cys; replaces arginine 186 with cysteine.
Molecular consequence: missense variant. On other transcripts: non-coding transcript variant (2).
Genome position (GRCh38, 1-based): chr13:72,797,910, C>T. VCF-style: chr13-72797910-C-T. GRCh37 (hg19) VCF-style: chr13-73372048-C-T.
Other names: c.556C>T, p.Arg186Cys (NM_001349655.2); short protein forms R186C.
Identifiers: ClinVar variation 3712238 (VCV003712238.2).

ClinVar aggregate classification (germline): Uncertain significance (1 of 4 stars; one submission).

gnomAD v4.1: 47 of 1,573,876 alleles (0.003%); highest among the groups gnomAD compares: East Asian, 0.05%; no homozygotes.

Submission:

Labcorp Genetics (formerly Invitae), Labcorp
Classification: Uncertain significance. Last evaluated: 2024-10-15. Review status: criteria provided, single submitter. Criteria: Invitae Variant Classification Sherloc (09022015). Collection method: clinical testing. Allele origin: germline.
Comment: This sequence change replaces arginine, which is basic and polar, with cysteine, which is neutral and slightly polar, at codon 186 of the PIBF1 protein (p.Arg186Cys). This variant is present in population databases (rs181700362, gnomAD 0.1%). This variant has not been reported in the literature in individuals affected with PIBF1-related conditions. Invitae Evidence Modeling of protein sequence and biophysical properties (such as structural, functional, and spatial information, amino acid conservation, physicochemical variation, residue mobility, and thermodynamic stability) indicates that this missense variant is not expected to disrupt PIBF1 protein function with a negative predictive value of 80%. In summary, the available evidence is currently insufficient to determine the role of this variant in disease. Therefore, it has been classified as a Variant of Uncertain Significance.